The following is an entry in ClinVar:

NM_001330078.2(NRXN1):c.445G>A (p.Val149Met)

Gene: NRXN1 (neurexin 1; minus strand). Cytogenetic location: 2p16.3.
Variant type: single nucleotide variant.
Coding change: c.445G>A on transcript NM_001330078.2 (MANE Select); coding-DNA position 445, G replaced by A.
Protein change: p.Val149Met; replaces valine 149 with methionine.
Molecular consequence: missense variant.
Genome position (GRCh38, 1-based): chr2:51,027,829, C>T on the plus strand (G>A on the coding strand, the complement: NRXN1 is on the minus strand). VCF-style: chr2-51027829-C-T. GRCh37 (hg19) VCF-style: chr2-51254967-C-T.
Other names: c.445G>A, p.Val149Met (NM_001135659.3, NM_001330077.2, NM_001330079.2 and 15 more transcripts); short protein forms V149M.
Identifiers: ClinVar variation 962255 (VCV000962255.9), dbSNP rs1670809073, ClinGen allele CA346823983.
Genomic context (GRCh38, chr2:51,027,829, plus strand): 5'-GCTTGAGCGCCGCGGCGCGCAGTTCCGGGGGCAGCCCCCCGACGAAAAGGCCGCTGAACA[C>T]CGTCATGTCCCTGCGCTTGGACTTGACCTCCACCCACTTGGCCTCCACCTGGTCGATGAA-3'
Protein context (NP_001317007.1, residues 139-159): EVKSKRRDMT[Val149Met]FSGLFVGGLP

ClinVar aggregate classification (germline): Uncertain significance (1 of 4 stars; one submission).

Conditions:
Pitt-Hopkins-like syndrome 2 (PTHSL2). Identifiers: Orphanet 221150, Orphanet 600663, MedGen C3280479, MONDO:0013690, OMIM 614325.

Allele frequency attached by ClinVar (database versions not stated): gnomAD exomes below 0.00001.
gnomAD v4.1: 2 of 1,613,462 alleles (0.00012%); highest among the groups gnomAD compares: South Asian, 0.0011%; no homozygotes.

Submission:

Labcorp Genetics (formerly Invitae), Labcorp
Classification: Uncertain significance for Pitt-Hopkins-like syndrome 2. Last evaluated: 2019-09-10. Review status: criteria provided, single submitter. Criteria: Invitae Variant Classification Sherloc (09022015). Collection method: clinical testing. Allele origin: germline.
Comment: This variant is not present in population databases (ExAC no frequency). In summary, the available evidence is currently insufficient to determine the role of this variant in disease. Therefore, it has been classified as a Variant of Uncertain Significance. Algorithms developed to predict the effect of missense changes on protein structure and function (SIFT, PolyPhen-2, Align-GVGD) all suggest that this variant is likely to be tolerated, but these predictions have not been confirmed by published functional studies and their clinical significance is uncertain. This variant has not been reported in the literature in individuals with NRXN1-related conditions. This sequence change replaces valine with methionine at codon 149 of the NRXN1 protein (p.Val149Met). The valine residue is highly conserved and there is a small physicochemical difference between valine and methionine.